The following is an entry in ClinVar:

ClinVar aggregate classification (germline): Uncertain significance. Review status: reviewed by expert panel (3 of 4 stars). 2 submissions from 2 submitters: Uncertain significance (1). 1 of the submissions does not count toward it. Last evaluated 2024-02-20.

Conditions:
Recombinase activating gene 2 deficiency. Also called: RAG2 deficiency. Identifiers: MedGen CN257931, MONDO:0000573.
Severe combined immunodeficiency, autosomal recessive, T cell-negative, B cell-negative, NK cell-positive. Also called: SCID, AR, T-cell negative, B-cell negative, NK cell-positive; SCID, T CELL-NEGATIVE, B CELL-NEGATIVE, NK CELL-POSITIVE; Severe combined immunodeficiency due to complete RAG1/2 deficiency. Identifiers: Orphanet 331206, MedGen C1832322, MONDO:0011086, OMIM 601457.
Combined immunodeficiency with skin granulomas. Identifiers: Orphanet 157949, MedGen C2673536, MONDO:0009306, OMIM 233650.

Submissions (2):

ClinGen Severe Combined Immunodeficiency Variant Curation Expert Panel, ClinGen
Classification: Uncertain significance for Recombinase activating gene 2 deficiency. Last evaluated: 2024-02-20. Review status: reviewed by expert panel. Criteria: ClinGen SCID ACMG Specifications RAG2 V1.0.0. Collection method: curation. Allele origin: germline. Inheritance: Autosomal recessive inheritance.
Comment: NM_000536.4(RAG2):c.95G>T is a missense variant predicted to cause substitution of Glycine by Valine at amino acid 32 (p.Gly32Val).This missense variant is located in the core domain (amino acids 1-383) (PM1_supporting).The variant is absent in gnomAD v4 (PM2_supporting). To our knowledge, this variant has not been reported in the literature in individuals affected with RAG2 related conditions or in functional studies. In summary, this variant meets the criteria to be classified as a variant of uncertain significance for autosomal recessive severe combined immunodeficiency due to RAG2 deficiency based on the ACMG/AMP criteria applied, as specified by the ClinGen SCID VCEP: PM1_supporting,PM2_supporting (VCEP specifications version 1).

Labcorp Genetics (formerly Invitae), Labcorp
Classification: Likely pathogenic for Combined immunodeficiency with skin granulomas; Severe combined immunodeficiency, autosomal recessive, T cell-negative, B cell-negative, NK cell-positive. Last evaluated: 2022-03-24. Review status: criteria provided, single submitter. Criteria: Invitae Variant Classification Sherloc (09022015). Collection method: clinical testing. Allele origin: germline. Not counted in ClinVar's aggregate classification.
Comment: In summary, the currently available evidence indicates that the variant is pathogenic, but additional data are needed to prove that conclusively. Therefore, this variant has been classified as Likely Pathogenic. This variant disrupts the p.Gly32 amino acid residue in RAG2. Other variant(s) that disrupt this residue have been determined to be pathogenic (PMID: 26457731, 33628209). This suggests that this residue is clinically significant, and that variants that disrupt this residue are likely to be disease-causing. Advanced modeling of protein sequence and biophysical properties (such as structural, functional, and spatial information, amino acid conservation, physicochemical variation, residue mobility, and thermodynamic stability) performed at Invitae indicates that this missense variant is expected to disrupt RAG2 protein function. This variant has not been reported in the literature in individuals affected with RAG2-related conditions. This variant is not present in population databases (gnomAD no frequency). This sequence change replaces glycine, which is neutral and non-polar, with valine, which is neutral and non-polar, at codon 32 of the RAG2 protein (p.Gly32Val).

Literature cited by the submitters: PubMed 26457731 (cited by Labcorp Genetics (formerly Invitae), Labcorp); PubMed 33628209 (cited by Labcorp Genetics (formerly Invitae), Labcorp).

NM_000536.4(RAG2):c.95G>T (p.Gly32Val)

Gene: RAG2 (recombination activating 2; minus strand). Cytogenetic location: 11p12.
Variant type: single nucleotide variant.
Coding change: c.95G>T on transcript NM_000536.4 (MANE Select); coding-DNA position 95, G replaced by T.
Protein change: p.Gly32Val; replaces glycine 32 with valine.
Molecular consequence: missense variant.
Genome position (GRCh38, 1-based): chr11:36,594,074, C>A on the plus strand (G>T on the coding strand, the complement: RAG2 is on the minus strand). VCF-style: chr11-36594074-C-A. GRCh37 (hg19) VCF-style: chr11-36615624-C-A.
Other names: NM_000536.4(RAG2):c.95G>T; p.Gly32Val; c.95G>T, p.Gly32Val (NM_001243785.2, NM_001243786.2); short protein forms G32V.
Identifiers: ClinVar variation 1901178 (VCV001901178.6), dbSNP rs1224542443, ClinGen allele CA380144678.
Genomic context (GRCh38, chr11:36,594,074, plus strand): 5'-TGCTTTACATCCAGATGGAAAACTCCAGTGGGGCAGGATCTTTTGGGCCAGCCTTTTTGT[C>A]CAAAGAAGAAAACTTGTCCATCAAAATTCATCAGTGAGAAGCCTGGCTGAATTAAGGCTA-3'
Protein context (NP_000527.2, residues 22-42): MNFDGQVFFF[Gly32Val]QKGWPKRSCP